The following is an entry in ClinVar:

ClinVar aggregate classification (germline): Pathogenic (1 of 4 stars; one submission).

Submission:

Labcorp Genetics (formerly Invitae), Labcorp
Classification: Pathogenic. Last evaluated: 2022-08-31. Review status: criteria provided, single submitter. Criteria: Invitae Variant Classification Sherloc (09022015). Collection method: clinical testing. Allele origin: germline.
Comment: For these reasons, this variant has been classified as Pathogenic. This sequence change creates a premature translational stop signal (p.Thr726Tyrfs*5) in the CAD gene. It is expected to result in an absent or disrupted protein product. Loss-of-function variants in CAD are known to be pathogenic (PMID: 28007989, 32117025, 32820246, 33497533). This variant is not present in population databases (gnomAD no frequency). This variant has not been reported in the literature in individuals affected with CAD-related conditions. ClinVar contains an entry for this variant (Variation ID: 1457870). Algorithms developed to predict the effect of sequence changes on RNA splicing suggest that this variant may create or strengthen a splice site.

Literature cited by the submitters: PubMed 28007989; PubMed 32117025; PubMed 32820246; PubMed 33497533.

NM_004341.5(CAD):c.2174dup (p.Thr726fs)

Gene: CAD (carbamoyl-phosphate synthetase 2, aspartate transcarbamylase, and dihydroorotase; plus strand). Cytogenetic location: 2p23.3.
Variant type: Duplication.
Coding change: c.2174dup on transcript NM_004341.5 (MANE Select); coding-DNA position 2174, one base duplicated (G; older notation c.2174dupG).
Protein change: p.Thr726fs; shifts the reading frame from threonine 726.
Molecular consequence: frameshift variant.
Genome position (GRCh38, 1-based): chr2:27,226,849, G duplicated; the last of 5 consecutive G bases (chr2:27,226,845-27,226,849); duplicating any one gives the same sequence. VCF-style (leftmost placement, unchanged base first): chr2-27226844-A-AG. GRCh37 (hg19) VCF-style: chr2-27449712-A-AG.
Other names: c.1985dup, p.Thr663fs (NM_001306079.2); short protein forms T663fs, T726fs.
Identifiers: ClinVar variation 1457870 (VCV001457870.6), dbSNP rs755944287, ClinGen allele CA1572940.